The following is an entry in ClinVar:

ClinVar aggregate classification (germline): Uncertain significance. Review status: criteria provided, multiple submitters, no conflicts (2 of 4 stars). 2 submissions from 2 submitters: Uncertain significance (2). Last evaluated 2024-09-04.

Conditions:
Inborn genetic diseases. Identifiers: MedGen C0950123, MeSH D030342.
Neuronal ceroid lipofuscinosis 7 (CLN7). Also called: MFSD8-Related Neuronal Ceroid-Lipofuscinosis. Identifiers: Orphanet 168491, Orphanet 228366, MedGen C1838571, MONDO:0012588, OMIM 610951.

Allele frequency attached by ClinVar (database versions not stated): gnomAD exomes 0.00001 and 0.00002; ExAC 0.00004.
gnomAD v4.1: 10 of 1,614,178 alleles (0.00062%); highest among the groups gnomAD compares: South Asian, 0.0099%; no homozygotes.

Submissions (2):

Ambry Genetics
Classification: Uncertain significance for Inborn genetic diseases. Last evaluated: 2024-09-04. Review status: criteria provided, single submitter. Criteria: Ambry Variant Classification Scheme 2023. Collection method: clinical testing. Allele origin: germline.

Labcorp Genetics (formerly Invitae), Labcorp
Classification: Uncertain significance for Neuronal ceroid lipofuscinosis 7. Last evaluated: 2021-09-01. Review status: criteria provided, single submitter. Criteria: Invitae Variant Classification Sherloc (09022015). Collection method: clinical testing. Allele origin: germline.
Comment: This sequence change replaces tyrosine with histidine at codon 134 of the MFSD8 protein (p.Tyr134His). The tyrosine residue is moderately conserved and there is a moderate physicochemical difference between tyrosine and histidine. This variant is present in population databases (rs776316095, ExAC 0.02%). This variant has not been reported in the literature in individuals affected with MFSD8-related conditions. Algorithms developed to predict the effect of missense changes on protein structure and function (SIFT, PolyPhen-2, Align-GVGD) all suggest that this variant is likely to be tolerated. In summary, the available evidence is currently insufficient to determine the role of this variant in disease. Therefore, it has been classified as a Variant of Uncertain Significance.

NM_001371596.2(MFSD8):c.400T>C (p.Tyr134His)

Gene: MFSD8 (major facilitator superfamily domain containing 8; minus strand). Cytogenetic location: 4q28.2.
Variant type: single nucleotide variant.
Coding change: c.400T>C on transcript NM_001371596.2 (MANE Select); coding-DNA position 400, T replaced by C.
Protein change: p.Tyr134His; replaces tyrosine 134 with histidine.
Molecular consequence: missense variant.
Genome position (GRCh38, 1-based): chr4:127,943,791, A>G on the plus strand (T>C on the coding strand, the complement: MFSD8 is on the minus strand). VCF-style: chr4-127943791-A-G. GRCh37 (hg19) VCF-style: chr4-128864946-A-G.
Other names: c.400T>C, p.Tyr134His (NM_001363520.3, NM_001363521.3, NM_001371591.2 and 5 more transcripts); c.265T>C, p.Tyr89His (NM_001371590.2, NM_001371595.1, NM_001410765.1); c.400T>C (NM_152778.2); short protein forms Y89H, Y134H.
Identifiers: ClinVar variation 1357017 (VCV001357017.7), dbSNP rs776316095, ClinGen allele CA3077490.
Genomic context (GRCh38, chr4:127,943,791, plus strand): 5'-AACATATACATACAACCTTACCTGCTCCAATTCCCAACAATCCACGAGCAACCAGCATGT[A>G]GTATTTATTATGAGAAGCTGGGATGTGGAGATATGCATAGAGGCAGTTGGCTGCCACGGA-3'
Protein context (NP_001358525.1, residues 124-144): LHIPASHNKY[Tyr134His]MLVARGLLGI